The following is an entry in ClinVar:

NC_000001.10:g.(?_215940031)_(215950286_?)del

Gene: USH2A (usherin; minus strand). Cytogenetic location: 1q41.
Variant type: Deletion.
Identifiers: ClinVar variation 2427761 (VCV002427761.4).

ClinVar aggregate classification (germline): Pathogenic (1 of 4 stars; one submission).

Submission:

Labcorp Genetics (formerly Invitae), Labcorp
Classification: Pathogenic. Last evaluated: 2022-12-15. Review status: criteria provided, single submitter. Criteria: Invitae Variant Classification Sherloc (09022015). Collection method: clinical testing. Allele origin: germline.
Comment: For these reasons, this variant has been classified as Pathogenic. This variant disrupts a region of the USH2A protein in which other variant(s) (p.Cys3666Gly) have been determined to be pathogenic (PMID: 27208204; Invitae). This suggests that this is a clinically significant region of the protein, and that variants that disrupt it are likely to be disease-causing. This variant has not been reported in the literature in individuals affected with USH2A-related conditions. This variant results in the deletion of part of exon 56 (c.10939+2899_11039del) of the USH2A gene. It is expected to disrupt RNA splicing. Variants that disrupt the donor or acceptor splice site typically lead to a loss of protein function (PMID: 16199547), and loss-of-function variants in USH2A are known to be pathogenic (PMID: 10729113, 10909849, 20507924, 25649381).

Literature cited by the submitters: PubMed 27208204; PubMed 16199547; PubMed 10729113; PubMed 10909849; PubMed 20507924; PubMed 25649381.